The following is an entry in ClinVar:

NM_001161352.2(KCNMA1):c.1989C>G (p.Ile663Met)

Gene: KCNMA1 (potassium calcium-activated channel subfamily M alpha 1; minus strand). Cytogenetic location: 10q22.3.
Variant type: single nucleotide variant.
Coding change: c.1989C>G on transcript NM_001161352.2 (MANE Select); coding-DNA position 1989, C replaced by G.
Protein change: p.Ile663Met; replaces isoleucine 663 with methionine.
Molecular consequence: missense variant.
Genome position (GRCh38, 1-based): chr10:77,019,039, G>C on the plus strand (C>G on the coding strand, the complement: KCNMA1 is on the minus strand). VCF-style: chr10-77019039-G-C. GRCh37 (hg19) VCF-style: chr10-78778797-G-C.
Other names: c.2001C>G, p.Ile667Met (NM_001014797.3, NM_001322830.2, NM_001322835.2 and 1 more transcripts); c.1989C>G, p.Ile663Met (NM_001161353.2, NM_001271519.2, NM_001322829.2 and 4 more transcripts); c.1839C>G, p.Ile613Met (NM_001271518.2); c.1449C>G, p.Ile483Met (NM_001322838.2); short protein forms I663M, I667M, I483M, I613M.
Identifiers: ClinVar variation 2920500 (VCV002920500.3), dbSNP rs201919794, ClinGen allele CA377408156.

ClinVar aggregate classification (germline): Uncertain significance (1 of 4 stars; one submission).

Conditions:
Generalized epilepsy-paroxysmal dyskinesia syndrome (PNKD3). Also called: Paroxysmal nonkinesigenic dyskinesia, 3, with or without generalized epilepsy; Generalized epilepsy and paroxysmal dyskinesia. Identifiers: Orphanet 79137, MedGen C5574945, MONDO:0012276, OMIM 609446.

gnomAD v4.1: 3 of 1,594,680 alleles (0.00019%); highest among the groups gnomAD compares: African/African-American, 0.0027%; no homozygotes.

Submission:

Labcorp Genetics (formerly Invitae), Labcorp
Classification: Uncertain significance for Generalized epilepsy-paroxysmal dyskinesia syndrome. Last evaluated: 2025-11-13. Review status: criteria provided, single submitter. Criteria: Invitae Variant Classification Sherloc (09022015). Collection method: clinical testing. Allele origin: germline.
Comment: This sequence change replaces isoleucine, which is neutral and non-polar, with methionine, which is neutral and non-polar, at codon 663 of the KCNMA1 protein (p.Ile663Met). This variant is present in population databases (no rsID available, gnomAD 0.004%). This missense change has been observed in individual(s) with clinical features of autosomal dominant generalized epilepsy and paroxysmal dyskinesia (internal data). ClinVar contains an entry for this variant (Variation ID: 2920500). Invitae Evidence Modeling of protein sequence and biophysical properties (such as structural, functional, and spatial information, amino acid conservation, physicochemical variation, residue mobility, and thermodynamic stability) indicates that this missense variant is not expected to disrupt KCNMA1 protein function with a negative predictive value of 80%. This variant disrupts the p.Ile663 amino acid residue in KCNMA1. Other variant(s) that disrupt this residue have been determined to be pathogenic (PMID: 31152168). This suggests that this residue is clinically significant, and that variants that disrupt this residue are likely to be disease-causing. In summary, the available evidence is currently insufficient to determine the role of this variant in disease. Therefore, it has been classified as a Variant of Uncertain Significance.

Literature cited by the submitters: PubMed 31152168.